The following is an entry in ClinVar:

ClinVar aggregate classification (germline): Uncertain significance (1 of 4 stars; one submission).

Conditions:
Ichthyosis linearis circumflexa. Identifiers: MedGen C0265962, MONDO:0043106, HP:0025810.

Allele frequency attached by ClinVar (database versions not stated): gnomAD exomes below 0.00001.
gnomAD v4.1: 3 of 1,605,358 alleles (0.00019%); highest among the groups gnomAD compares: Admixed American, 0.0017%; no homozygotes.

Submission:

Labcorp Genetics (formerly Invitae), Labcorp
Classification: Uncertain significance for Ichthyosis linearis circumflexa. Last evaluated: 2022-08-23. Review status: criteria provided, single submitter. Criteria: Invitae Variant Classification Sherloc (09022015). Collection method: clinical testing. Allele origin: germline.
Comment: This sequence change falls in intron 14 of the SPINK5 gene. It does not directly change the encoded amino acid sequence of the SPINK5 protein. It affects a nucleotide within the consensus splice site. This variant is present in population databases (no rsID available, gnomAD 0.003%). This variant has not been reported in the literature in individuals affected with SPINK5-related conditions. Variants that disrupt the consensus splice site are a relatively common cause of aberrant splicing (PMID: 17576681, 9536098). Algorithms developed to predict the effect of sequence changes on RNA splicing suggest that this variant may disrupt the consensus splice site. In summary, the available evidence is currently insufficient to determine the role of this variant in disease. Therefore, it has been classified as a Variant of Uncertain Significance.

Literature cited by the submitters: PubMed 17576681; PubMed 9536098.

NM_006846.4(SPINK5):c.1302+5G>A

Gene: SPINK5 (serine peptidase inhibitor Kazal type 5; plus strand). Cytogenetic location: 5q32.
Variant type: single nucleotide variant.
Coding change: c.1302+5G>A on transcript NM_006846.4 (MANE Select); 5 bases into the intron after coding-DNA position 1302, G replaced by A.
Molecular consequence: intron variant.
Genome position (GRCh38, 1-based): chr5:148,101,441, G>A. VCF-style: chr5-148101441-G-A. GRCh37 (hg19) VCF-style: chr5-147481004-G-A.
Other names: c.1302+5G>A (NM_001127698.2, NM_001127699.2).
Identifiers: ClinVar variation 2415129 (VCV002415129.7), dbSNP rs1340368406, ClinGen allele CA563522454.